The following is an entry in ClinVar:

ClinVar aggregate classification (germline): Benign/Likely benign. Review status: criteria provided, multiple submitters, no conflicts (2 of 4 stars). 4 submissions from 4 submitters: Benign (2); Likely benign (2). Last evaluated 2026-09-24.

Conditions:
PRPF3-related disorder. Also called: PRPF3-related condition.
Retinitis pigmentosa (RP). Identifiers: Orphanet 791, MedGen C0035334, MeSH D012174, MONDO:0019200, OMIM 268000. Inheritance: Autosomal dominant, autosomal recessive and X linked inheritance.

Allele frequency attached by ClinVar (database versions not stated): gnomAD exomes 0.00012 and 0.00027; ExAC 0.00035; 1000 Genomes Project 0.00060; 1000 Genomes Project 30x 0.00094; gnomAD 0.00119 and 0.00129; TOPMed 0.00127; ESP Exome Variant Server 0.00138.
gnomAD v4.1: 372 of 1,614,142 alleles (0.023%); highest among the groups gnomAD compares: African/African-American, 0.43%; 3 homozygotes.

Submissions (4):

PreventionGenetics, part of Exact Sciences
Classification: Benign for PRPF3-related condition. Last evaluated: 2026-09-24. Review status: criteria provided, single submitter. Criteria: ACMG Guidelines, 2015. Collection method: clinical testing. Allele origin: germline.
Comment: This variant is classified as benign based on ACMG/AMP sequence variant interpretation guidelines (Richards et al. 2015 PMID: 25741868, with internal and published modifications).

Labcorp Genetics (formerly Invitae), Labcorp
Classification: Benign. Last evaluated: 2025-12-01. Review status: criteria provided, single submitter. Criteria: Invitae Variant Classification Sherloc (09022015). Collection method: clinical testing. Allele origin: germline.

Blueprint Genetics
Classification: Likely benign. Last evaluated: 2024-10-03. Review status: criteria provided, single submitter. Criteria: ACMG Guidelines, 2015. Collection method: clinical testing. Allele origin: germline.

Illumina Laboratory Services, Illumina
Classification: Likely benign for Retinitis pigmentosa. Last evaluated: 2018-01-12. Review status: criteria provided, single submitter. Criteria: ICSL Variant Classification Criteria 13 December 2019. Collection method: clinical testing. Allele origin: germline.
Comment: This variant was observed in the ICSL laboratory as part of a predisposition screen in an ostensibly healthy population. It had not been previously curated by ICSL or reported in the Human Gene Mutation Database (HGMD: prior to June 1st, 2018), and was therefore a candidate for classification through an automated scoring system. Utilizing variant allele frequency, disease prevalence and penetrance estimates, and inheritance mode, an automated score was calculated to assess if this variant is too frequent to cause the disease. Based on the score and internal cut-off values, a variant classified as likely benign is not then subjected to further curation. The score for this variant resulted in a classification of likely benign for this disease.

NM_004698.4(PRPF3):c.2004C>T (p.His668=)

Gene: PRPF3 (pre-mRNA processing factor 3; plus strand). Cytogenetic location: 1q21.2.
Variant type: single nucleotide variant.
Coding change: c.2004C>T on transcript NM_004698.4 (MANE Select); coding-DNA position 2004, C replaced by T.
Protein change: p.His668=; no amino-acid change (histidine 668 retained).
Molecular consequence: synonymous variant. On other transcripts: non-coding transcript variant (4).
Genome position (GRCh38, 1-based): chr1:150,352,931, C>T. VCF-style: chr1-150352931-C-T. GRCh37 (hg19) VCF-style: chr1-150325407-C-T.
Other names: c.1599C>T, p.His533= (NM_001350529.1).
Identifiers: ClinVar variation 740040 (VCV000740040.16), dbSNP rs138976782, ClinGen allele CA1075758.